The following is an entry in ClinVar:

ClinVar aggregate classification (germline): Uncertain significance (1 of 4 stars; one submission).

Conditions:
GLUT1 deficiency syndrome 1, autosomal recessive. Identifiers: MedGen C3149117.

Submission:

Labcorp Genetics (formerly Invitae), Labcorp
Classification: Uncertain significance for GLUT1 deficiency syndrome 1, autosomal recessive. Last evaluated: 2024-05-15. Review status: criteria provided, single submitter. Criteria: Invitae Variant Classification Sherloc (09022015). Collection method: clinical testing. Allele origin: germline.
Comment: This sequence change replaces glycine, which is neutral and non-polar, with glutamic acid, which is acidic and polar, at codon 18 of the SLC2A1 protein (p.Gly18Glu). This variant is not present in population databases (gnomAD no frequency). This variant has not been reported in the literature in individuals affected with SLC2A1-related conditions. Advanced modeling of protein sequence and biophysical properties (such as structural, functional, and spatial information, amino acid conservation, physicochemical variation, residue mobility, and thermodynamic stability) has been performed at Invitae for this missense variant, however the output from this modeling did not meet the statistical confidence thresholds required to predict the impact of this variant on SLC2A1 protein function. In summary, the available evidence is currently insufficient to determine the role of this variant in disease. Therefore, it has been classified as a Variant of Uncertain Significance.

NM_006516.4(SLC2A1):c.53G>A (p.Gly18Glu)

Gene: SLC2A1 (solute carrier family 2 member 1; minus strand). Cytogenetic location: 1p34.2.
Variant type: single nucleotide variant.
Coding change: c.53G>A on transcript NM_006516.4 (MANE Select); coding-DNA position 53, G replaced by A.
Protein change: p.Gly18Glu; replaces glycine 18 with glutamic acid.
Molecular consequence: missense variant.
Genome position (GRCh38, 1-based): chr1:42,943,287, C>T on the plus strand (G>A on the coding strand, the complement: SLC2A1 is on the minus strand). VCF-style: chr1-42943287-C-T. GRCh37 (hg19) VCF-style: chr1-43408958-C-T.
Other names: short protein forms G18E.
Identifiers: ClinVar variation 3633561 (VCV003633561.2).